The following is an entry in ClinVar:

NM_015702.3(MMADHC):c.406A>G (p.Ser136Gly)

Gene: MMADHC (metabolism of cobalamin associated D; minus strand). Cytogenetic location: 2q23.2.
Variant type: single nucleotide variant.
Coding change: c.406A>G on transcript NM_015702.3 (MANE Select); coding-DNA position 406, A replaced by G.
Protein change: p.Ser136Gly; replaces serine 136 with glycine.
Molecular consequence: missense variant.
Genome position (GRCh38, 1-based): chr2:149,576,509, T>C on the plus strand (A>G on the coding strand, the complement: MMADHC is on the minus strand). VCF-style: chr2-149576509-T-C. GRCh37 (hg19) VCF-style: chr2-150433023-T-C.
Other names: short protein forms S136G.
Identifiers: ClinVar variation 1031933 (VCV001031933.1), dbSNP rs1345924349, ClinGen allele CA348870382.

ClinVar aggregate classification (germline): Uncertain significance (1 of 4 stars; one submission).

Conditions:
Methylmalonic aciduria and homocystinuria type cblD (MAHCD). Also called: Methylmalonic aciduria with homocystinuria cblD type; METHYLMALONIC ACIDEMIA, cblH TYPE. Identifiers: Orphanet 622, Orphanet 79283, MedGen C1848552, MONDO:0010185, OMIM 277410.

Allele frequency attached by ClinVar (database versions not stated): gnomAD exomes below 0.00001 and 0.00001.
gnomAD v4.1: 3 of 1,613,648 alleles (0.00019%); highest among the groups gnomAD compares: East Asian, 0.0022%; no homozygotes.

Submission:

Baylor Genetics
Classification: Uncertain significance for Methylmalonic aciduria and homocystinuria type cblD. Last evaluated: 2018-07-31. Review status: criteria provided, single submitter. Criteria: ACMG Guidelines, 2015. Collection method: clinical testing. Allele origin: unknown. Affected: yes.
Comment: This variant was determined to be of uncertain significance according to ACMG Guidelines, 2015 [PMID:25741868].